The following is an entry in ClinVar:

NM_001114753.3(ENG):c.728C>A (p.Ala243Glu)

Gene: ENG (endoglin; minus strand). Cytogenetic location: 9q34.11.
Variant type: single nucleotide variant.
Coding change: c.728C>A on transcript NM_001114753.3 (MANE Select); coding-DNA position 728, C replaced by A.
Protein change: p.Ala243Glu; replaces alanine 243 with glutamic acid.
Molecular consequence: missense variant.
Genome position (GRCh38, 1-based): chr9:127,825,319, G>T on the plus strand (C>A on the coding strand, the complement: ENG is on the minus strand). VCF-style: chr9-127825319-G-T. GRCh37 (hg19) VCF-style: chr9-130587598-G-T.
Other names: c.728C>A, p.Ala243Glu (NM_000118.4, NM_001406715.1); c.182C>A, p.Ala61Glu (NM_001278138.2); short protein forms A243E, A61E.
Identifiers: ClinVar variation 4870463 (VCV004870463.1).
Genomic context (GRCh38, chr9:127,825,319, plus strand): 5'-ATGAGCCAGGACACGTAGGGGGGACCCTGCAGGATGAGGACGGCATCGAGATCCCCGGGT[G>T]CGCAGCTCAGTTCCACCTTCACCGTCACCGTCCGGGGCCTGCGGGGAGACAGACGCGGAT-3'
Protein context (NP_001108225.1, residues 233-253): TVTVKVELSC[Ala243Glu]PGDLDAVLIL

ClinVar aggregate classification (germline): Uncertain significance (1 of 4 stars; one submission).

Conditions:
Cardiovascular phenotype. Identifiers: MedGen CN230736.

Submission:

Ambry Genetics
Classification: Uncertain significance for Cardiovascular phenotype. Last evaluated: 2026-04-27. Review status: criteria provided, single submitter. Criteria: Ambry Variant Classification Scheme 2023. Collection method: clinical testing. Allele origin: germline.
Comment: The p.A243E variant (also known as c.728C>A), located in coding exon 6 of the ENG gene, results from a C to A substitution at nucleotide position 728. The alanine at codon 243 is replaced by glutamic acid, an amino acid with dissimilar properties. This amino acid position is conserved. In addition, this alteration is predicted to be tolerated by in silico analysis. Based on the available evidence, the clinical significance of this variant remains unclear.